The following is an entry in ClinVar:

ClinVar aggregate classification (germline): Uncertain significance. Review status: criteria provided, multiple submitters, no conflicts (2 of 4 stars). 2 submissions from 2 submitters: Uncertain significance (2). Last evaluated 2025-10-29.

Conditions:
Inborn genetic diseases. Identifiers: MedGen C0950123, MeSH D030342.

Allele frequency attached by ClinVar (database versions not stated): TOPMed 0.00001.
gnomAD v4.1: 8 of 1,607,136 alleles (0.0005%); highest among the groups gnomAD compares: East Asian, 0.009%; no homozygotes.

Submissions (2):

Ambry Genetics
Classification: Uncertain significance for Inborn genetic diseases. Last evaluated: 2025-10-29. Review status: criteria provided, single submitter. Criteria: Ambry Variant Classification Scheme 2023. Collection method: clinical testing. Allele origin: germline.

Labcorp Genetics (formerly Invitae), Labcorp
Classification: Uncertain significance. Last evaluated: 2022-04-20. Review status: criteria provided, single submitter. Criteria: Invitae Variant Classification Sherloc (09022015). Collection method: clinical testing. Allele origin: germline.
Comment: This sequence change replaces valine, which is neutral and non-polar, with isoleucine, which is neutral and non-polar, at codon 4791 of the PCLO protein (p.Val4791Ile). This variant is present in population databases (no rsID available, gnomAD 0.01%). This variant has not been reported in the literature in individuals affected with PCLO-related conditions. Algorithms developed to predict the effect of missense changes on protein structure and function are either unavailable or do not agree on the potential impact of this missense change (SIFT: "Deleterious"; PolyPhen-2: "Not Available"; Align-GVGD: "Class C0"). In summary, the available evidence is currently insufficient to determine the role of this variant in disease. Therefore, it has been classified as a Variant of Uncertain Significance.

NM_033026.6(PCLO):c.14371G>A (p.Val4791Ile)

Gene: PCLO (piccolo presynaptic cytomatrix protein; minus strand). Cytogenetic location: 7q21.11.
Variant type: single nucleotide variant.
Coding change: c.14371G>A on transcript NM_033026.6 (MANE Select); coding-DNA position 14371, G replaced by A.
Protein change: p.Val4791Ile; replaces valine 4791 with isoleucine.
Molecular consequence: missense variant.
Genome position (GRCh38, 1-based): chr7:82,826,633, C>T on the plus strand (G>A on the coding strand, the complement: PCLO is on the minus strand). VCF-style: chr7-82826633-C-T. GRCh37 (hg19) VCF-style: chr7-82455949-C-T.
Other names: c.14371G>A (NM_033026.5); c.14371G>A, p.Val4791Ile (NM_014510.3); short protein forms V4791I.
Identifiers: ClinVar variation 1936523 (VCV001936523.3), dbSNP rs905957679, ClinGen allele CA161693677.
Genomic context (GRCh38, chr7:82,826,633, plus strand): 5'-GAAGTCAGAGGCTTACCTCCCCAAGGAAGTCGTTGGATGAAAATCTATCATAATCCCAAA[C>T]TGTCACCTCCAGTGTTTTCTTCTTGAGCTATATAGTTCAAATAGAAATCTAATTAAACCT-3'
Protein context (NP_149015.2, residues 4781-4801): QLKKKTLEVT[Val4791Ile]WDYDRFSSND